The following is an entry in ClinVar:

NM_153002.3(GPR156):c.1334G>T (p.Cys445Phe)

Gene: GPR156 (G protein-coupled receptor 156; minus strand). Cytogenetic location: 3q13.33.
Variant type: single nucleotide variant.
Coding change: c.1334G>T on transcript NM_153002.3 (MANE Select); coding-DNA position 1334, G replaced by T.
Protein change: p.Cys445Phe; replaces cysteine 445 with phenylalanine.
Molecular consequence: missense variant.
Genome position (GRCh38, 1-based): chr3:120,168,143, C>A on the plus strand (G>T on the coding strand, the complement: GPR156 is on the minus strand). VCF-style: chr3-120168143-C-A. GRCh37 (hg19) VCF-style: chr3-119886990-C-A.
Other names: NC_000003.11:g.119886990C>A; c.1322G>T, p.Cys441Phe (NM_001168271.2); c.1334G>T (NM_153002.2); short protein forms C445F, C441F.
Identifiers: ClinVar variation 4519536 (VCV004519536.2).

ClinVar aggregate classification (germline): Likely benign (1 of 4 stars; one submission).

Conditions:
GPR156-related disorder. Also called: GPR156-related condition.

Submissions (3):

PreventionGenetics, part of Exact Sciences
Classification: Likely benign for GPR156-related condition. Last evaluated: 2025-05-21. Review status: criteria provided, single submitter. Criteria: ACMG Guidelines, 2015. Collection method: clinical testing. Allele origin: germline.
Comment: This variant is classified as likely benign based on ACMG/AMP sequence variant interpretation guidelines (Richards et al. 2015 PMID: 25741868, with internal and published modifications).

Dr. Peter K. Rogan Lab, Western University
No classification provided (evidence only). Condition: Sarcoma. Review status: no classification provided. Collection method: in vitro. Allele origin: not applicable. Functional consequence: retained intron. Not counted in ClinVar's aggregate classification.

Dr. Peter K. Rogan Lab, Western University
No classification provided (evidence only). Condition: Ovarian serous cystadenocarcinoma. Review status: no classification provided. Collection method: in vitro. Allele origin: not applicable. Functional consequence: retained intron. Not counted in ClinVar's aggregate classification.